The following is an entry in ClinVar:

ClinVar aggregate classification (germline): Benign (1 of 4 stars; one submission).

Allele frequency attached by ClinVar (database versions not stated): gnomAD 0.72597 and 0.73958; 1000 Genomes Project 0.63239; 1000 Genomes Project 30x 0.64397; TOPMed 0.73150.
gnomAD v4.1: 110,225 of 151,572 alleles (73%); highest among the groups gnomAD compares: Middle Eastern, 83%; 41,042 homozygotes.

Submission:

GeneDx
Classification: Benign. Last evaluated: 2018-06-14. Review status: criteria provided, single submitter. Criteria: GeneDx Variant Classification (06012015). Collection method: clinical testing. Allele origin: germline. Affected: yes.
Comment: This variant is considered likely benign or benign based on one or more of the following criteria: it is a conservative change, it occurs at a poorly conserved position in the protein, it is predicted to be benign by multiple in silico algorithms, and/or has population frequency not consistent with disease.

NM_001384140.1(PCDH15):c.595-252G>A

Gene: PCDH15 (protocadherin related 15; minus strand). Cytogenetic location: 10q21.1.
Variant type: single nucleotide variant.
Coding change: c.595-252G>A on transcript NM_001384140.1 (MANE Select); 252 bases into the intron before coding-DNA position 595, G replaced by A.
Molecular consequence: intron variant.
Genome position (GRCh38, 1-based): chr10:54,329,958, C>T on the plus strand (G>A on the coding strand, the complement: PCDH15 is on the minus strand). VCF-style: chr10-54329958-C-T. GRCh37 (hg19) VCF-style: chr10-56089718-C-T.
Other names: c.595-252G>A (NM_001354420.2, NM_001354429.2, NM_001142772.2 and 7 more transcripts); c.610-252G>A (NM_001142771.2, NM_001142769.3, NM_001142763.2); c.529-252G>A (NM_001354404.2, NM_001142773.2, NM_001142768.2); c.595-12517G>A (NM_001142767.2).
Identifiers: ClinVar variation 667935 (VCV000667935.1), dbSNP rs857396, ClinGen allele CA207582325.
Genomic context (GRCh38, chr10:54,329,958, plus strand): 5'-AGAGTCCTTTGGTAATAATAACCAGAAAATTTGTTTCTTGTCATAGTTTTTAATATATTA[C>T]TAGTATTATTCATCAACAGTCTTGGAATAGTTCTAAATCAAAGTCCAGGTATCTGAAAAA-3'